The following is an entry in ClinVar:

NM_000540.3(RYR1):c.12797G>A (p.Gly4266Asp)

Gene: RYR1 (ryanodine receptor 1; plus strand). Cytogenetic location: 19q13.2.
Variant type: single nucleotide variant.
Coding change: c.12797G>A on transcript NM_000540.3 (MANE Select); coding-DNA position 12797, G replaced by A.
Protein change: p.Gly4266Asp; replaces glycine 4266 with aspartic acid.
Molecular consequence: missense variant.
Genome position (GRCh38, 1-based): chr19:38,565,131, G>A. VCF-style: chr19-38565131-G-A. GRCh37 (hg19) VCF-style: chr19-39055771-G-A.
Other names: c.12782G>A, p.Gly4261Asp (NM_001042723.2); short protein forms G4266D, G4261D.
Identifiers: ClinVar variation 861755 (VCV000861755.11), dbSNP rs1445617605, ClinGen allele CA405671178.

ClinVar aggregate classification (germline): Uncertain significance. Review status: criteria provided, multiple submitters, no conflicts (2 of 4 stars). 4 submissions from 4 submitters: Uncertain significance (4). Last evaluated 2025-04-01.

Conditions:
Malignant hyperthermia, susceptibility to, 1 (MHS1). Also called: Malignant hyperthermia suceptibility 1; RYR1-Related Malignant Hyperthermia Susceptibility; Anesthesia related hyperthermia; Malignant hyperpyrexia; Fulminating hyperpyrexia; Pharmacogenic myopathy. Identifiers: Orphanet 423, MedGen C2930980, MONDO:0007783, OMIM 145600.
Congenital multicore myopathy with external ophthalmoplegia (CMYO1B). Also called: Minicore myopathy with external ophthalmoplegia; MULTIMINICORE DISEASE WITH EXTERNAL OPHTHALMOPLEGIA; Congenital myopathy 1B, autosomal recessive; Minicore myopathy; MULTICORE MYOPATHY. Identifiers: Orphanet 598, Orphanet 98905, MedGen C1850674, MONDO:0009712, OMIM 255320, HP:0003789.
Congenital myopathy with fiber type disproportion. Also called: Congenital fiber-type disproportion myopathy; Congenital fiber-type disproportion. Identifiers: Orphanet 2020, MedGen C0546264, MONDO:0009711. Inheritance: all.
King Denborough syndrome (KDS). Identifiers: MedGen C1840365, MONDO:0020485, OMIM 619542.
Central core myopathy (CMYO1A). Also called: CONGENITAL MYOPATHY 1A, AUTOSOMAL DOMINANT, WITH SUSCEPTIBILITY TO MALIGNANT HYPERTHERMIA; Central core disease; Myopathy, central fibrillar. Identifiers: Orphanet 597, MedGen C5830701, MONDO:0007294, OMIM 117000.
RYR1-related disorder. Also called: RYR1-related disorders; RYR1-related condition. Identifiers: MedGen CN239331.
Inborn genetic diseases. Identifiers: MedGen C0950123, MeSH D030342.

Allele frequency attached by ClinVar (database versions not stated): gnomAD exomes 0.00001; gnomAD 0.00003; TOPMed 0.00004.
gnomAD v4.1: 52 of 1,530,650 alleles (0.0034%); highest among the groups gnomAD compares: Non-Finnish European, 0.004%; no homozygotes.

Submissions (4):

Ambry Genetics
Classification: Uncertain significance for Inborn genetic diseases. Last evaluated: 2025-04-01. Review status: criteria provided, single submitter. Criteria: Ambry Variant Classification Scheme 2023. Collection method: clinical testing. Allele origin: germline.

Labcorp Genetics (formerly Invitae), Labcorp
Classification: Uncertain significance for RYR1-related disorder. Last evaluated: 2025-01-21. Review status: criteria provided, single submitter. Criteria: Invitae Variant Classification Sherloc (09022015). Collection method: clinical testing. Allele origin: germline.
Comment: This sequence change replaces glycine, which is neutral and non-polar, with aspartic acid, which is acidic and polar, at codon 4266 of the RYR1 protein (p.Gly4266Asp). The frequency data for this variant in the population databases is considered unreliable, as metrics indicate poor data quality at this position in the gnomAD database. This variant has not been reported in the literature in individuals affected with RYR1-related conditions. ClinVar contains an entry for this variant (Variation ID: 861755). Invitae Evidence Modeling of protein sequence and biophysical properties (such as structural, functional, and spatial information, amino acid conservation, physicochemical variation, residue mobility, and thermodynamic stability) indicates that this missense variant is not expected to disrupt RYR1 protein function with a negative predictive value of 80%. In summary, the available evidence is currently insufficient to determine the role of this variant in disease. Therefore, it has been classified as a Variant of Uncertain Significance.

GeneDx
Classification: Uncertain significance. Last evaluated: 2025-01-08. Review status: criteria provided, single submitter. Criteria: GeneDx Variant Classification Process June 2021. Collection method: clinical testing. Allele origin: germline. Affected: yes.
Comment: Not observed at significant frequency in large population cohorts (gnomAD); In silico analysis indicates that this missense variant does not alter protein structure/function; Has not been previously published as pathogenic or benign to our knowledge

Fulgent Genetics
Classification: Uncertain significance for Central core myopathy; Malignant hyperthermia, susceptibility to, 1; Congenital myopathy 4A, autosomal dominant; Congenital multicore myopathy with external ophthalmoplegia; King Denborough syndrome. Last evaluated: 2021-08-30. Review status: criteria provided, single submitter. Criteria: ACMG Guidelines, 2015. Collection method: clinical testing. Allele origin: unknown.